The following is an entry in ClinVar:

NM_025114.4(CEP290):c.4186C>G (p.Gln1396Glu)

Gene: CEP290 (centrosomal protein 290; minus strand). Cytogenetic location: 12q21.32.
Variant type: single nucleotide variant.
Coding change: c.4186C>G on transcript NM_025114.4 (MANE Select); coding-DNA position 4186, C replaced by G.
Protein change: p.Gln1396Glu; replaces glutamine 1396 with glutamic acid.
Molecular consequence: missense variant.
Genome position (GRCh38, 1-based): chr12:88,087,788, G>C on the plus strand (C>G on the coding strand, the complement: CEP290 is on the minus strand). VCF-style: chr12-88087788-G-C. GRCh37 (hg19) VCF-style: chr12-88481565-G-C.
Other names: short protein forms Q1396E.
Identifiers: ClinVar variation 1432337 (VCV001432337.5), dbSNP rs1459653241, ClinGen allele CA385998852.

ClinVar aggregate classification (germline): Uncertain significance (1 of 4 stars; one submission).

Conditions:
Joubert syndrome. Also called: CEREBELLOPARENCHYMAL DISORDER IV; JOUBERT-BOLTSHAUSER SYNDROME; Familial aplasia of the vermis. Identifiers: Orphanet 475, MedGen C5979921, MONDO:0018772.
Nephronophthisis. Also called: Juvenile Nephronophthisis. Identifiers: Orphanet 655, MedGen C0687120, MONDO:0019005, HP:0000090.
Meckel-Gruber syndrome. Also called: DYSENCEPHALIA SPLANCHNOCYSTICA; GRUBER SYNDROME; Dysencephalia splachnocystica. Identifiers: Orphanet 564, MedGen C0265215, MONDO:0018921.

Allele frequency attached by ClinVar (database versions not stated): TOPMed below 0.00001; gnomAD exomes 0.00005.
gnomAD v4.1: 11 of 1,124,404 alleles (0.00098%); highest among the groups gnomAD compares: Non-Finnish European, 0.0012%; no homozygotes.

Submission:

Labcorp Genetics (formerly Invitae), Labcorp
Classification: Uncertain significance for Joubert syndrome; Meckel-Gruber syndrome; Nephronophthisis. Last evaluated: 2021-08-24. Review status: criteria provided, single submitter. Criteria: Invitae Variant Classification Sherloc (09022015). Collection method: clinical testing. Allele origin: germline.
Comment: This sequence change replaces glutamine with glutamic acid at codon 1396 of the CEP290 protein (p.Gln1396Glu). The glutamine residue is highly conserved and there is a small physicochemical difference between glutamine and glutamic acid. This variant is not present in population databases (ExAC no frequency). This variant has not been reported in the literature in individuals affected with CEP290-related conditions. Algorithms developed to predict the effect of missense changes on protein structure and function (SIFT, PolyPhen-2, Align-GVGD) all suggest that this variant is likely to be disruptive. In summary, the available evidence is currently insufficient to determine the role of this variant in disease. Therefore, it has been classified as a Variant of Uncertain Significance.